The following is an entry in ClinVar:

NM_177438.3(DICER1):c.4250A>T (p.Tyr1417Phe)

Gene: DICER1 (dicer 1, ribonuclease III; minus strand). Cytogenetic location: 14q32.13.
Variant type: single nucleotide variant.
Coding change: c.4250A>T on transcript NM_177438.3 (MANE Select); coding-DNA position 4250, A replaced by T.
Protein change: p.Tyr1417Phe; replaces tyrosine 1417 with phenylalanine.
Molecular consequence: missense variant. On other transcripts: non-coding transcript variant (6).
Genome position (GRCh38, 1-based): chr14:95,096,670, T>A on the plus strand (A>T on the coding strand, the complement: DICER1 is on the minus strand). VCF-style: chr14-95096670-T-A. GRCh37 (hg19) VCF-style: chr14-95563007-T-A.
Other names: c.3845A>T, p.Tyr1282Phe (NM_001395696.1, NM_001395687.1, NM_001395688.1 and 2 more transcripts); c.2567A>T, p.Tyr856Phe (NM_001395697.1); c.4250A>T, p.Tyr1417Phe (NM_001195573.1, NM_001271282.3, NM_001291628.2 and 13 more transcripts); c.3968A>T, p.Tyr1323Phe (NM_001395686.1); c.3683A>T, p.Tyr1228Phe (NM_001395691.1); short protein forms Y1323F, Y1228F, Y1282F, Y1417F, Y856F.
Identifiers: ClinVar variation 1739089 (VCV001739089.6), dbSNP rs768820364, ClinGen allele CA7330869.

ClinVar aggregate classification (germline): Conflicting classifications of pathogenicity. Review status: criteria provided, conflicting classifications (1 of 4 stars). 3 submissions from 3 submitters: Uncertain significance (2); Likely benign (1). Last evaluated 2023-09-20.

Conditions:
Global developmental delay - lung cysts - overgrowth - Wilms tumor syndrome. Also called: GLOW Syndrome; GLOBAL DEVELOPMENTAL DELAY, LUNG CYSTS, OVERGROWTH, AND WILMS TUMOR. Identifiers: Orphanet 404476, MedGen C4748924, MONDO:0018445, OMIM 618272.
DICER1-related tumor predisposition. Also called: DICER1 syndrome; DICER1-related pleuropulmonary blastoma cancer predisposition syndrome. Identifiers: Orphanet 284343, MedGen C3839822, MONDO:0100216.
Hereditary cancer-predisposing syndrome. Also called: Neoplastic Syndromes, Hereditary; Tumor predisposition; Hereditary Cancer Syndrome; Hereditary neoplastic syndrome. Identifiers: Orphanet 140162, MedGen C0027672, MeSH D009386, MONDO:0015356.

Allele frequency attached by ClinVar (database versions not stated): gnomAD exomes below 0.00001; ExAC 0.00002.

Submissions (3):

Baylor Genetics
Classification: Uncertain significance for Global developmental delay - lung cysts - overgrowth - Wilms tumor syndrome. Last evaluated: 2023-09-20. Review status: criteria provided, single submitter. Criteria: ACMG Guidelines, 2015. Collection method: clinical testing. Allele origin: unknown.

Labcorp Genetics (formerly Invitae), Labcorp
Classification: Uncertain significance for DICER1-related tumor predisposition. Last evaluated: 2022-05-24. Review status: criteria provided, single submitter. Criteria: Invitae Variant Classification Sherloc (09022015). Collection method: clinical testing. Allele origin: germline.
Comment: In summary, the available evidence is currently insufficient to determine the role of this variant in disease. Therefore, it has been classified as a Variant of Uncertain Significance. Algorithms developed to predict the effect of missense changes on protein structure and function output the following: SIFT: "Tolerated"; PolyPhen-2: "Benign"; Align-GVGD: "Class C0". The phenylalanine amino acid residue is found in multiple mammalian species, which suggests that this missense change does not adversely affect protein function. This variant has not been reported in the literature in individuals affected with DICER1-related conditions. This variant is present in population databases (rs768820364, gnomAD 0.002%). This sequence change replaces tyrosine, which is neutral and polar, with phenylalanine, which is neutral and non-polar, at codon 1417 of the DICER1 protein (p.Tyr1417Phe).

Ambry Genetics
Classification: Likely benign for Hereditary cancer-predisposing syndrome. Last evaluated: 2022-04-20. Review status: criteria provided, single submitter. Criteria: Ambry Variant Classification Scheme 2023. Collection method: clinical testing. Allele origin: germline.